The following is an entry in ClinVar:

ClinVar aggregate classification (germline): Uncertain significance. Review status: criteria provided, multiple submitters, no conflicts (2 of 4 stars). 2 submissions from 2 submitters: Uncertain significance (2). Last evaluated 2026-01-15.

Conditions:
Hereditary cancer-predisposing syndrome. Also called: Tumor predisposition; Neoplastic Syndromes, Hereditary; Hereditary Cancer Syndrome; Hereditary neoplastic syndrome. Identifiers: Orphanet 140162, MedGen C0027672, MeSH D009386, MONDO:0015356.
Gastrointestinal stromal tumor. Also called: Gastrointestinal stromal tumor, somatic; Gastrointestinal stroma tumor. Identifiers: Orphanet 44890, MedGen C0238198, MeSH D046152, MONDO:0011719, OMIM 606764, HP:0100723.

Allele frequency attached by ClinVar (database versions not stated): gnomAD exomes below 0.00001.
gnomAD v4.1: 1 of 1,613,926 alleles (0.000062%); highest among the groups gnomAD compares: Non-Finnish European, 0.000085%; no homozygotes.

Submissions (2):

Ambry Genetics
Classification: Uncertain significance for Hereditary cancer-predisposing syndrome. Last evaluated: 2026-01-15. Review status: criteria provided, single submitter. Criteria: Ambry Variant Classification Scheme 2023. Collection method: clinical testing. Allele origin: germline.
Comment: The p.P202L variant (also known as c.605C>T), located in coding exon 3 of the PDGFRA gene, results from a C to T substitution at nucleotide position 605. The proline at codon 202 is replaced by leucine, an amino acid with similar properties. This amino acid position is conserved. In addition, this alteration is predicted to be tolerated by in silico analysis. Based on the available evidence, the clinical significance of this variant remains unclear.

Labcorp Genetics (formerly Invitae), Labcorp
Classification: Uncertain significance for Gastrointestinal stromal tumor. Last evaluated: 2024-08-12. Review status: criteria provided, single submitter. Criteria: Invitae Variant Classification Sherloc (09022015). Collection method: clinical testing. Allele origin: germline.
Comment: This sequence change replaces proline, which is neutral and non-polar, with leucine, which is neutral and non-polar, at codon 202 of the PDGFRA protein (p.Pro202Leu). This variant is not present in population databases (gnomAD no frequency). This variant has not been reported in the literature in individuals affected with PDGFRA-related conditions. ClinVar contains an entry for this variant (Variation ID: 1521315). Advanced modeling of protein sequence and biophysical properties (such as structural, functional, and spatial information, amino acid conservation, physicochemical variation, residue mobility, and thermodynamic stability) performed at Invitae indicates that this missense variant is not expected to disrupt PDGFRA protein function with a negative predictive value of 80%. In summary, the available evidence is currently insufficient to determine the role of this variant in disease. Therefore, it has been classified as a Variant of Uncertain Significance.

NM_006206.6(PDGFRA):c.605C>T (p.Pro202Leu)

Gene: PDGFRA (platelet derived growth factor receptor alpha; plus strand). Cytogenetic location: 4q12.
Variant type: single nucleotide variant.
Coding change: c.605C>T on transcript NM_006206.6 (MANE Select); coding-DNA position 605, C replaced by T.
Protein change: p.Pro202Leu; replaces proline 202 with leucine.
Molecular consequence: missense variant.
Genome position (GRCh38, 1-based): chr4:54,263,904, C>T. VCF-style: chr4-54263904-C-T. GRCh37 (hg19) VCF-style: chr4-55130071-C-T.
Other names: c.605C>T (NM_006206.4); c.605C>T, p.Pro202Leu (NM_001347827.2, NM_001347829.2); c.680C>T, p.Pro227Leu (NM_001347828.2); c.644C>T, p.Pro215Leu (NM_001347830.2); short protein forms P202L, P215L, P227L.
Identifiers: ClinVar variation 1521315 (VCV001521315.7), dbSNP rs2110253833, ClinGen allele CA356890184.